The following continues an entry in ClinVar:

NM_000059.4(BRCA2):c.2564_2565del (p.Thr855fs)

Gene: BRCA2. ClinVar aggregate classification (germline): Pathogenic. Pathogenic (1).

Submissions 10 to 13 of 13:

Women's Health and Genetics/Laboratory Corporation of America, LabCorp
Classification: Pathogenic for Hereditary breast and ovarian cancer syndrome. Last evaluated: 2019-06-06. Review status: criteria provided, single submitter. Criteria: LabCorp Variant Classification Summary - May 2015. Collection method: clinical testing. Allele origin: germline. Not counted in ClinVar's aggregate classification.
Comment: Variant summary: BRCA2 c.2564_2565delCA (p.Thr855LysfsX25) results in a premature termination codon, predicted to cause a truncation of the encoded protein or absence of the protein due to nonsense mediated decay, which are commonly known mechanisms for disease. Truncations downstream of this position have been classified as pathogenic by our laboratory. The variant was absent in 243382 control chromosomes. c.2564_2565delCA has been reported in the literature in individuals affected with Hereditary Breast and Ovarian Cancer (Rodriguez_2008, Rebbeck_2018). To our knowledge, no experimental evidence demonstrating an impact on protein function has been reported. Six clinical diagnostic laboratories have submitted clinical-significance assessments for this variant to ClinVar after 2014 without evidence for independent evaluation. All laboratories classified the variant as pathogenic. Based on the evidence outlined above, the variant was classified as pathogenic.

Consortium of Investigators of Modifiers of BRCA1/2 (CIMBA), c/o University of Cambridge
Classification: Pathogenic for Breast-ovarian cancer, familial, susceptibility to, 2. Last evaluated: 2015-10-02. Review status: criteria provided, single submitter. Criteria: CIMBA Mutation Classification guidelines May 2016. Collection method: clinical testing. Allele origin: germline. Not counted in ClinVar's aggregate classification.

Juno Genomics, Hangzhou Juno Genomics, Inc
Classification: Pathogenic for Familial cancer of breast; Breast-ovarian cancer, familial, susceptibility to, 2; Glioma susceptibility 3; Medulloblastoma; Pancreatic cancer, susceptibility to, 2; Familial prostate cancer; Fanconi anemia complementation group D1; Wilms tumor 1. Review status: criteria provided, single submitter. Criteria: ACMG Guidelines, 2015. Collection method: clinical testing. Allele origin: germline. Not counted in ClinVar's aggregate classification.
Comment: Absent from controls (or at extremely low frequency if recessive) in Genome Aggregation Database.;Null variant in a gene where loss of function (LOF) is a known mechanism of disease.;Novel missense change at an amino acid residue where a different missense change determined to be pathogenic has been seen before.

Breast Cancer Information Core (BIC) (BRCA2)
Classification: Pathogenic for Breast-ovarian cancer, familial 2. Review status: no assertion criteria provided. Collection method: clinical testing. Allele origin: germline. Affected: yes. Observed: 1 variant allele. Not counted in ClinVar's aggregate classification.

Literature cited by the submitters: PubMed 29446198 (cited by 4 submitters); PubMed 28127413 (cited by Quest Diagnostics Nichols Institute San Juan Capistrano and Women's Health and Genetics/Laboratory Corporation of America, LabCorp); PubMed 26564481 (cited by Quest Diagnostics Nichols Institute San Juan Capistrano and Women's Health and Genetics/Laboratory Corporation of America, LabCorp); PubMed 18286383 (cited by 5 submitters); PubMed 28888541 (cited by Quest Diagnostics Nichols Institute San Juan Capistrano); PubMed 36450981 (cited by Quest Diagnostics Nichols Institute San Juan Capistrano); PubMed 26295337 (cited by Quest Diagnostics Nichols Institute San Juan Capistrano); PubMed 20104584 (cited by Labcorp Genetics (formerly Invitae), Labcorp).